The following is an entry in ClinVar:

ClinVar aggregate classification (germline): Uncertain significance (1 of 4 stars; one submission).

Conditions:
Hereditary cancer-predisposing syndrome. Also called: Neoplastic Syndromes, Hereditary; Tumor predisposition; Hereditary Cancer Syndrome; Hereditary neoplastic syndrome. Identifiers: Orphanet 140162, MedGen C0027672, MeSH D009386, MONDO:0015356.

Submission:

Ambry Genetics
Classification: Uncertain significance for Hereditary cancer-predisposing syndrome. Last evaluated: 2026-03-08. Review status: criteria provided, single submitter. Criteria: Ambry Variant Classification Scheme 2023. Collection method: clinical testing. Allele origin: germline.
Comment: The p.V715D variant (also known as c.2144T>A), located in coding exon 13 of the DICER1 gene, results from a T to A substitution at nucleotide position 2144. The valine at codon 715 is replaced by aspartic acid, an amino acid with highly dissimilar properties. This amino acid position is conserved. In addition, this alteration is predicted to be deleterious by in silico analysis. Based on the available evidence, the clinical significance of this variant remains unclear.

NM_177438.3(DICER1):c.2144T>A (p.Val715Asp)

Gene: DICER1 (dicer 1, ribonuclease III; minus strand). Cytogenetic location: 14q32.13.
Variant type: single nucleotide variant.
Coding change: c.2144T>A on transcript NM_177438.3 (MANE Select); coding-DNA position 2144, T replaced by A.
Protein change: p.Val715Asp; replaces valine 715 with aspartic acid.
Molecular consequence: missense variant. On other transcripts: non-coding transcript variant (6).
Genome position (GRCh38, 1-based): chr14:95,111,429, A>T on the plus strand (T>A on the coding strand, the complement: DICER1 is on the minus strand). VCF-style: chr14-95111429-A-T. GRCh37 (hg19) VCF-style: chr14-95577766-A-T.
Other names: c.2144T>A, p.Val715Asp (NM_001195573.1, NM_001271282.3, NM_001291628.2 and 12 more transcripts); c.1862T>A, p.Val621Asp (NM_001395686.1); c.1739T>A, p.Val580Asp (NM_001395687.1, NM_001395688.1, NM_001395689.1 and 3 more transcripts); c.1577T>A, p.Val526Asp (NM_001395691.1); c.461T>A, p.Val154Asp (NM_001395697.1); short protein forms V580D, V154D, V715D, V526D, V621D.
Identifiers: ClinVar variation 4826968 (VCV004826968.1).